The following is an entry in ClinVar:

ClinVar aggregate classification (germline): Uncertain significance. Review status: criteria provided, multiple submitters, no conflicts (2 of 4 stars). 2 submissions from 2 submitters: Uncertain significance (2). Last evaluated 2024-06-10.

Conditions:
Hereditary cancer-predisposing syndrome. Also called: Neoplastic Syndromes, Hereditary; Hereditary Cancer Syndrome; Tumor predisposition; Hereditary neoplastic syndrome. Identifiers: Orphanet 140162, MedGen C0027672, MeSH D009386, MONDO:0015356.
Familial meningioma. Also called: Meningioma, familial, susceptibility to. Identifiers: Orphanet 263662, MedGen C3551915, MONDO:0011789, OMIM 607174.

Allele frequency attached by ClinVar (database versions not stated): gnomAD exomes below 0.00001; TOPMed 0.00001.
gnomAD v4.1: 1 of 1,612,402 alleles (0.000062%); highest among the groups gnomAD compares: African/African-American, 0.0013%; no homozygotes.

Submissions (2):

Labcorp Genetics (formerly Invitae), Labcorp
Classification: Uncertain significance for Familial meningioma. Last evaluated: 2024-06-10. Review status: criteria provided, single submitter. Criteria: Invitae Variant Classification Sherloc (09022015). Collection method: clinical testing. Allele origin: germline.
Comment: This sequence change replaces glutamic acid, which is acidic and polar, with glycine, which is neutral and non-polar, at codon 111 of the SMARCE1 protein (p.Glu111Gly). This variant is not present in population databases (gnomAD no frequency). This variant has not been reported in the literature in individuals affected with SMARCE1-related conditions. ClinVar contains an entry for this variant (Variation ID: 1038927). Advanced modeling of protein sequence and biophysical properties (such as structural, functional, and spatial information, amino acid conservation, physicochemical variation, residue mobility, and thermodynamic stability) performed at Invitae indicates that this missense variant is expected to disrupt SMARCE1 protein function with a positive predictive value of 80%. In summary, the available evidence is currently insufficient to determine the role of this variant in disease. Therefore, it has been classified as a Variant of Uncertain Significance.

Ambry Genetics
Classification: Uncertain significance for Hereditary cancer-predisposing syndrome. Last evaluated: 2024-05-15. Review status: criteria provided, single submitter. Criteria: Ambry Variant Classification Scheme 2023. Collection method: clinical testing. Allele origin: germline.
Comment: The p.E111G variant (also known as c.332A>G), located in coding exon 5 of the SMARCE1 gene, results from an A to G substitution at nucleotide position 332. The glutamic acid at codon 111 is replaced by glycine, an amino acid with similar properties. This amino acid position is highly conserved in available vertebrate species. In addition, this alteration is predicted to be deleterious by in silico analysis. Based on the available evidence, the clinical significance of this variant remains unclear.

NM_003079.5(SMARCE1):c.332A>G (p.Glu111Gly)

Gene: SMARCE1 (SWI/SNF related BAF chromatin remodeling complex subunit E1; minus strand). Cytogenetic location: 17q21.2.
Variant type: single nucleotide variant.
Coding change: c.332A>G on transcript NM_003079.5 (MANE Select); coding-DNA position 332, A replaced by G.
Protein change: p.Glu111Gly; replaces glutamic acid 111 with glycine.
Molecular consequence: missense variant.
Genome position (GRCh38, 1-based): chr17:40,636,432, T>C on the plus strand (A>G on the coding strand, the complement: SMARCE1 is on the minus strand). VCF-style: chr17-40636432-T-C. GRCh37 (hg19) VCF-style: chr17-38792684-T-C.
Other names: short protein forms E111G.
Identifiers: ClinVar variation 1038927 (VCV001038927.12), dbSNP rs2037146794, ClinGen allele CA399367110.
Genomic context (GRCh38, chr17:40,636,432, plus strand): 5'-CCCACTGTGAGCCCCTACCCTACCTTTTCTGCTTCGTATTCGTTTAAATATTCTTGTTTT[T>C]CTTCATCAGTGAGATCTCGCCACATGCCACCAATAATCTTGCCAATCTCCCACAACTTTA-3'
Protein context (NP_003070.3, residues 101-121): GGMWRDLTDE[Glu111Gly]KQEYLNEYEA